The following is an entry in ClinVar:

ClinVar aggregate classification (germline): Uncertain significance (1 of 4 stars; one submission).

Conditions:
Jeune thoracic dystrophy. Also called: Jeune syndrome; Infantile thoracic dystrophy; Thoracic pelvic phalangeal dystrophy; Jeune's syndrome; Chondroectodermal dysplasia-like syndrome; Short-rib thoracic dysplasia. Identifiers: Orphanet 474, MedGen C0265275, MONDO:0018770.

Allele frequency attached by ClinVar (database versions not stated): gnomAD exomes below 0.00001 and 0.00001; TOPMed 0.00001; ExAC 0.00004.
gnomAD v4.1: 2 of 1,569,068 alleles (0.00013%); highest among the groups gnomAD compares: Admixed American, 0.0037%; no homozygotes.

Submission:

Labcorp Genetics (formerly Invitae), Labcorp
Classification: Uncertain significance for Jeune thoracic dystrophy. Last evaluated: 2025-08-21. Review status: criteria provided, single submitter. Criteria: Invitae Variant Classification Sherloc (09022015). Collection method: clinical testing. Allele origin: germline.
Comment: This sequence change replaces serine, which is neutral and polar, with glycine, which is neutral and non-polar, at codon 974 of the DYNC2H1 protein (p.Ser974Gly). The frequency data for this variant in the population databases is considered unreliable, as metrics indicate poor data quality at this position in the gnomAD database. This missense change has been observed in individual(s) with clinical features of short-rib polydactyly syndrome (internal data). In at least one individual the data is consistent with being in trans (on the opposite chromosome) from a pathogenic variant. ClinVar contains an entry for this variant (Variation ID: 935328). Invitae Evidence Modeling of protein sequence and biophysical properties (such as structural, functional, and spatial information, amino acid conservation, physicochemical variation, residue mobility, and thermodynamic stability) indicates that this missense variant is not expected to disrupt DYNC2H1 protein function with a negative predictive value of 95%. Algorithms developed to predict the effect of sequence changes on RNA splicing suggest that this variant may disrupt the consensus splice site. In summary, the available evidence is currently insufficient to determine the role of this variant in disease. Therefore, it has been classified as a Variant of Uncertain Significance.

NM_001377.3(DYNC2H1):c.2920A>G (p.Ser974Gly)

Gene: DYNC2H1 (dynein cytoplasmic 2 heavy chain 1; plus strand). Cytogenetic location: 11q22.3.
Variant type: single nucleotide variant.
Coding change: c.2920A>G on transcript NM_001377.3 (MANE Select); coding-DNA position 2920, A replaced by G.
Protein change: p.Ser974Gly; replaces serine 974 with glycine.
Molecular consequence: missense variant.
Genome position (GRCh38, 1-based): chr11:103,148,591, A>G. VCF-style: chr11-103148591-A-G. GRCh37 (hg19) VCF-style: chr11-103019320-A-G.
Other names: c.2920A>G, p.Ser974Gly (NM_001080463.2); short protein forms S974G.
Identifiers: ClinVar variation 935328 (VCV000935328.7), dbSNP rs775896895, ClinGen allele CA6253190.